The following is an entry in ClinVar:

NM_000180.4(GUCY2D):c.173T>G (p.Val58Gly)

Gene: GUCY2D (guanylate cyclase 2D, retinal; plus strand). Cytogenetic location: 17p13.1.
Variant type: single nucleotide variant.
Coding change: c.173T>G on transcript NM_000180.4 (MANE Select); coding-DNA position 173, T replaced by G.
Protein change: p.Val58Gly; replaces valine 58 with glycine.
Molecular consequence: missense variant.
Genome position (GRCh38, 1-based): chr17:8,003,220, T>G. VCF-style: chr17-8003220-T-G. GRCh37 (hg19) VCF-style: chr17-7906538-T-G.
Other names: short protein forms V58G.
Identifiers: ClinVar variation 3751305 (VCV003751305.3).
Genomic context (GRCh38, chr17:8,003,220, plus strand): 5'-TCCTGCTGCTCCTGCTTCTGCTGCAGCCCCCCGCCCTCTCCGCCGTGTTCACGGTGGGGG[T>G]CCTGGGCCCCTGGGCTTGCGACCCCATCTTCTCTCGGGCTCGCCCGGACCTGGCCGCCCG-3'
Protein context (NP_000171.1, residues 48-68): PALSAVFTVG[Val58Gly]LGPWACDPIF

ClinVar aggregate classification (germline): Conflicting classifications of pathogenicity. Review status: criteria provided, conflicting classifications (1 of 4 stars). 2 submissions from 2 submitters: Likely pathogenic (1); Uncertain significance (1). Last evaluated 2024-06-11.

Conditions:
Cone-rod dystrophy 6 (CORD6). Also called: RETINAL CONE DYSTROPHY 2; Cone dystrophy progressive. Identifiers: Orphanet 1872, MedGen C1866293, MONDO:0011143, OMIM 601777.
Leber congenital amaurosis 1 (LCA1). Also called: AMAUROSIS CONGENITA OF LEBER I; Congenital absence of the rods and cones; Leber's congenital tapetoretinal degeneration; Leber's congenital tapetoretinal dysplasia; RETINAL BLINDNESS, CONGENITAL. Identifiers: Orphanet 65, MedGen C2931258, MONDO:0008764, OMIM 204000.
GUCY2D-related disorders.

gnomAD v4.1: 4 of 1,519,874 alleles (0.00026%); highest among the groups gnomAD compares: African/African-American, 0.0043%; no homozygotes.

Submissions (2):

Labcorp Genetics (formerly Invitae), Labcorp
Classification: Uncertain significance for Leber congenital amaurosis 1; Cone-rod dystrophy 6. Last evaluated: 2024-06-11. Review status: criteria provided, single submitter. Criteria: Invitae Variant Classification Sherloc (09022015). Collection method: clinical testing. Allele origin: germline.
Comment: This sequence change replaces valine, which is neutral and non-polar, with glycine, which is neutral and non-polar, at codon 58 of the GUCY2D protein (p.Val58Gly). This variant is not present in population databases (gnomAD no frequency). This variant has not been reported in the literature in individuals affected with GUCY2D-related conditions. Advanced modeling of protein sequence and biophysical properties (such as structural, functional, and spatial information, amino acid conservation, physicochemical variation, residue mobility, and thermodynamic stability) performed at Invitae indicates that this missense variant is not expected to disrupt GUCY2D protein function with a negative predictive value of 80%. In summary, the available evidence is currently insufficient to determine the role of this variant in disease. Therefore, it has been classified as a Variant of Uncertain Significance.

Blueprint Genetics
Classification: Likely pathogenic for GUCY2D-related disorders. Last evaluated: 2017-06-20. Review status: criteria provided, single submitter. Criteria: ACMG Guidelines, 2015. Collection method: clinical testing. Allele origin: germline. Affected: yes. Observed: 1 variant allele.